The following is an entry in ClinVar:

NM_001393982.1(ANKRD36C):c.2508G>A (p.Ser836=)

Gene: ANKRD36C (ankyrin repeat domain 36C; minus strand). Cytogenetic location: 2q11.1.
Variant type: single nucleotide variant.
Coding change: c.2508G>A on transcript NM_001393982.1 (MANE Select); coding-DNA position 2508, G replaced by A.
Protein change: p.Ser836=; no amino-acid change (serine 836 retained).
Molecular consequence: synonymous variant.
Genome position (GRCh38, 1-based): chr2:95,916,023, C>T on the plus strand (G>A on the coding strand, the complement: ANKRD36C is on the minus strand). VCF-style: chr2-95916023-C-T. GRCh37 (hg19) VCF-style: chr2-96581771-C-T.
Other names: c.2583G>A, p.Ser861= (NM_001310154.3).
Identifiers: ClinVar variation 2651131 (VCV002651131.24), dbSNP rs527372178, ClinGen allele CA1774255.

ClinVar aggregate classification (germline): Likely benign (1 of 4 stars; one submission).

Allele frequency attached by ClinVar (database versions not stated): TOPMed 0.00008; gnomAD 0.00009; gnomAD exomes 0.00012; ExAC 0.00045.
gnomAD v4.1: 191 of 1,568,700 alleles (0.012%); highest among the groups gnomAD compares: Admixed American, 0.0074%; no homozygotes.

Submission:

CeGaT Center for Human Genetics Tuebingen
Classification: Likely benign. Last evaluated: 2023-03-01. Review status: criteria provided, single submitter. Criteria: CeGaT Center For Human Genetics Tuebingen Variant Classification Criteria Version 2. Collection method: clinical testing. Allele origin: germline. Affected: yes. Observed: 1 variant allele.
Comment: ANKRD36C: BP4, BP7